The following is an entry in ClinVar:

NM_015570.4(AUTS2):c.1753C>T (p.Pro585Ser)

Gene: AUTS2 (activator of transcription and developmental regulator AUTS2; plus strand). Cytogenetic location: 7q11.22.
Variant type: single nucleotide variant.
Coding change: c.1753C>T on transcript NM_015570.4 (MANE Select); coding-DNA position 1753, C replaced by T.
Protein change: p.Pro585Ser; replaces proline 585 with serine.
Molecular consequence: missense variant.
Genome position (GRCh38, 1-based): chr7:70,771,567, C>T. VCF-style: chr7-70771567-C-T. GRCh37 (hg19) VCF-style: chr7-70236553-C-T.
Other names: c.1753C>T, p.Pro585Ser (NM_001127231.3); short protein forms P585S.
Identifiers: ClinVar variation 3657280 (VCV003657280.2).

ClinVar aggregate classification (germline): Uncertain significance (1 of 4 stars; one submission).

Submission:

Labcorp Genetics (formerly Invitae), Labcorp
Classification: Uncertain significance. Last evaluated: 2024-06-21. Review status: criteria provided, single submitter. Criteria: Invitae Variant Classification Sherloc (09022015). Collection method: clinical testing. Allele origin: germline.
Comment: This sequence change replaces proline, which is neutral and non-polar, with serine, which is neutral and polar, at codon 585 of the AUTS2 protein (p.Pro585Ser). This variant is not present in population databases (gnomAD no frequency). This variant has not been reported in the literature in individuals affected with AUTS2-related conditions. Advanced modeling of protein sequence and biophysical properties (such as structural, functional, and spatial information, amino acid conservation, physicochemical variation, residue mobility, and thermodynamic stability) performed at Invitae indicates that this missense variant is not expected to disrupt AUTS2 protein function with a negative predictive value of 80%. In summary, the available evidence is currently insufficient to determine the role of this variant in disease. Therefore, it has been classified as a Variant of Uncertain Significance.